The following is an entry in ClinVar:

NM_004415.4(DSP):c.6460A>G (p.Ile2154Val)

Gene: DSP (desmoplakin; plus strand). Cytogenetic location: 6p24.3.
Variant type: single nucleotide variant.
Coding change: c.6460A>G on transcript NM_004415.4 (MANE Select); coding-DNA position 6460, A replaced by G.
Protein change: p.Ile2154Val; replaces isoleucine 2154 with valine.
Molecular consequence: missense variant.
Genome position (GRCh38, 1-based): chr6:7,583,722, A>G. VCF-style: chr6-7583722-A-G. GRCh37 (hg19) VCF-style: chr6-7583955-A-G.
Other names: c.4663A>G, p.Ile1555Val (NM_001008844.3); c.5131A>G, p.Ile1711Val (NM_001319034.2); short protein forms I2154V, I1711V, I1555V.
Identifiers: ClinVar variation 1982994 (VCV001982994.5), dbSNP rs2533941483, ClinGen allele CA362690836.

ClinVar aggregate classification (germline): Uncertain significance. Review status: criteria provided, multiple submitters, no conflicts (2 of 4 stars). 2 submissions from 2 submitters: Uncertain significance (2). Last evaluated 2025-07-09.

Conditions:
Cardiovascular phenotype. Identifiers: MedGen CN230736.
Arrhythmogenic cardiomyopathy with wooly hair and keratoderma. Also called: PALMOPLANTAR KERATODERMA WITH LEFT VENTRICULAR CARDIOMYOPATHY AND WOOLLY HAIR; Carvajal syndrome; Arrhythmogenic cardiomyopathy with woolly hair and keratoderma; Dilated cardiomyopathy with woolly hair and keratoderma. Identifiers: Orphanet 65282, MedGen C1854063, MONDO:0011581, OMIM 605676.
Arrhythmogenic right ventricular dysplasia 8 (ARVD8). Also called: ARRHYTHMOGENIC RIGHT VENTRICULAR DYSPLASIA, FAMILIAL, 8; ARRHYTHMOGENIC RIGHT VENTRICULAR CARDIOMYOPATHY 8; Arrhythmogenic Right Ventricular Dysplasia/Cardiomyopathy 8. Identifiers: MedGen C1843896, MONDO:0011831, OMIM 607450.

Submissions (2):

Ambry Genetics
Classification: Uncertain significance for Cardiovascular phenotype. Last evaluated: 2025-07-09. Review status: criteria provided, single submitter. Criteria: Ambry Variant Classification Scheme 2023. Collection method: clinical testing. Allele origin: germline.
Comment: The p.I2154V variant (also known as c.6460A>G), located in coding exon 24 of the DSP gene, results from an A to G substitution at nucleotide position 6460. The isoleucine at codon 2154 is replaced by valine, an amino acid with highly similar properties. This amino acid position is conserved. In addition, this alteration is predicted to be tolerated by in silico analysis. Based on the available evidence, the clinical significance of this variant remains unclear.

Labcorp Genetics (formerly Invitae), Labcorp
Classification: Uncertain significance for Arrhythmogenic cardiomyopathy with wooly hair and keratoderma; Arrhythmogenic right ventricular dysplasia 8. Last evaluated: 2023-02-16. Review status: criteria provided, single submitter. Criteria: Invitae Variant Classification Sherloc (09022015). Collection method: clinical testing. Allele origin: germline.
Comment: This variant has not been reported in the literature in individuals affected with DSP-related conditions. This variant is not present in population databases (gnomAD no frequency). This sequence change replaces isoleucine, which is neutral and non-polar, with valine, which is neutral and non-polar, at codon 2154 of the DSP protein (p.Ile2154Val). An algorithm developed to predict the effect of missense changes on protein structure and function (PolyPhen-2) suggests that this variant is likely to be tolerated. In summary, the available evidence is currently insufficient to determine the role of this variant in disease. Therefore, it has been classified as a Variant of Uncertain Significance.